The following is an entry in ClinVar:

ClinVar aggregate classification (germline): Pathogenic (1 of 4 stars; one submission).

Submission:

GeneDx
Classification: Pathogenic. Last evaluated: 2013-10-08. Review status: criteria provided, single submitter. Criteria: GeneDx Variant Classification (06012015). Collection method: clinical testing. Allele origin: germline. Affected: yes.
Comment: c.66716delT: p.Leu22239Stop in exon 276 in the TTN gene (NM_001256850.1). The normal sequence with the bases that are deleted in braces is: GCTT{T}AGTA. The c.66716delT mutation in the TTN gene has not been reported previously as a disease-causing mutation or as a benign polymorphism, to our knowledge. c.66716delT causes a shift in reading frame starting at codon Leucine 22239, changing it to a premature stop codon, denoted p.Leu22239Stop. This mutation is expected to result in either an abnormal, truncated protein product or loss of protein from this allele through nonsense-mediated mRNA decay. Other truncating TTN variants have been reported in approximately 3% of control alleles (Herman D et al., 2012). However, c.66716delT is located in the A-band region of titin, where the majority of truncating mutations associated with DCM have been reported (Herman D et al., 2012). We interpret c.66716delT as a disease-causing mutation. The variant is found in DCM-CRDM panel(s).

NM_001267550.2(TTN):c.71639del (p.Ala23879_Leu23880insTer)

Genes: TTN (titin; minus strand), TTN-AS1 (TTN antisense RNA 1; plus strand). Cytogenetic location: 2q31.2.
Variant type: Deletion.
Coding change: c.71639del on transcript NM_001267550.2 (MANE Select); coding-DNA position 71639, one base deleted (T; older notation c.71639delT).
Protein change: p.Ala23879_Leu23880insTer.
Molecular consequence: nonsense.
Genome position (GRCh38, 1-based): chr2:178,574,493, A deleted on the plus strand (T on the coding strand, the reverse complement: TTN is on the minus strand); the first of 3 consecutive A bases (chr2:178,574,493-178,574,495); deleting any one gives the same sequence. VCF-style (leftmost placement, unchanged base first): chr2-178574492-TA-T. GRCh37 (hg19) VCF-style: chr2-179439219-TA-T.
Other names: c.66716del, p.Ala22238_Leu22239insTer (NM_001256850.1); c.44444del, p.Ala14814_Leu14815insTer (NM_003319.4); c.63935del, p.Ala21311_Leu21312insTer (NM_133378.4); c.44819del, p.Ala14939_Leu14940insTer (NM_133432.3); c.45020del, p.Ala15006_Leu15007insTer (NM_133437.4); c.66716delT (NM_001256850.1).
Identifiers: ClinVar variation 202464 (VCV000202464.1), dbSNP rs794729337, ClinGen allele CA309428.